The following is an entry in ClinVar:

ClinVar aggregate classification (germline): Pathogenic/Likely pathogenic. Review status: criteria provided, multiple submitters, no conflicts (2 of 4 stars). 8 submissions from 8 submitters: Pathogenic (3); Likely pathogenic (4). 1 of the submissions does not count toward it. Last evaluated 2025-07-02.

Conditions:
Hereditary cancer-predisposing syndrome. Also called: Hereditary neoplastic syndrome; Tumor predisposition; Hereditary Cancer Syndrome; Neoplastic Syndromes, Hereditary. Identifiers: Orphanet 140162, MedGen C0027672, MeSH D009386, MONDO:0015356.
Aplastic anemia. Identifiers: Orphanet 182040, Orphanet 88, MedGen C0002874, MONDO:0015909, OMIM 609135, HP:0001915.
Microcephaly, normal intelligence and immunodeficiency (NBS). Also called: BERLIN BREAKAGE SYNDROME; SEEMANOVA SYNDROME II; Ataxia telangiectasia variant V1; IMMUNODEFICIENCY, MICROCEPHALY, AND CHROMOSOMAL INSTABILITY; Immunodeficiency, microcephaly with normal intelligence; Nijmegen breakage syndrome. Identifiers: Orphanet 647, MedGen C0398791, MONDO:0009623, OMIM 251260.
NBN-related disorder. Also called: NBN-related condition.

Allele frequency attached by ClinVar (database versions not stated): gnomAD exomes below 0.00001.

Submissions (8):

Natera, Inc.
Classification: Likely pathogenic for Nijmegen breakage syndrome. Last evaluated: 2025-07-02. Review status: criteria provided, single submitter. Criteria: Natera Variant Classification Schema (03/2026). Collection method: clinical testing. Allele origin: germline.
Comment: The c.872dup variant in NBN is a frameshift variant predicted to shift the reading frame beginning at codon 292 and leads to a stop codon 12 codons downstream. This variant is expected to result in nonsense mediated decay, truncation, or a dysfunctional protein product. This variant is rare in the general population with a frequency below the threshold expected for the associated phenotype(s). Given the available evidence, this variant is classified as Likely Pathogenic.

Labcorp Genetics (formerly Invitae), Labcorp
Classification: Pathogenic for Microcephaly, normal intelligence and immunodeficiency. Last evaluated: 2024-10-18. Review status: criteria provided, single submitter. Criteria: Invitae Variant Classification Sherloc (09022015). Collection method: clinical testing. Allele origin: germline.
Comment: This sequence change creates a premature translational stop signal (p.Ser292Valfs*12) in the NBN gene. It is expected to result in an absent or disrupted protein product. Loss-of-function variants in NBN are known to be pathogenic (PMID: 9590180, 16415040). This variant is not present in population databases (gnomAD no frequency). This variant has not been reported in the literature in individuals affected with NBN-related conditions. ClinVar contains an entry for this variant (Variation ID: 576309). For these reasons, this variant has been classified as Pathogenic.

Ambry Genetics
Classification: Pathogenic for Hereditary cancer-predisposing syndrome. Last evaluated: 2024-09-17. Review status: criteria provided, single submitter. Criteria: Ambry Variant Classification Scheme 2023. Collection method: clinical testing. Allele origin: germline.
Comment: The c.872dupA pathogenic mutation, located in coding exon 7 of the NBN gene, results from a duplication of A at nucleotide position 872, causing a translational frameshift with a predicted alternate stop codon (p.S292Vfs*12). This variant is considered to be rare based on population cohorts in the Genome Aggregation Database (gnomAD). This alteration is expected to result in loss of function by premature protein truncation or nonsense-mediated mRNA decay. As such, this alteration is interpreted as a disease-causing mutation.

Baylor Genetics
Classification: Likely pathogenic for Aplastic anemia. Last evaluated: 2023-08-11. Review status: criteria provided, single submitter. Criteria: ACMG Guidelines, 2015. Collection method: clinical testing. Allele origin: unknown.

GeneDx
Classification: Likely pathogenic. Last evaluated: 2021-11-18. Review status: criteria provided, single submitter. Criteria: GeneDx Variant Classification Process June 2021. Collection method: clinical testing. Allele origin: germline. Affected: yes.
Comment: Frameshift variant predicted to result in protein truncation or nonsense mediated decay in a gene for which loss-of-function is a known mechanism of disease; Not observed in large population cohorts (Lek 2016); Has not been previously published as pathogenic or benign to our knowledge; This variant is associated with the following publications: (PMID: 27533158)

Genome-Nilou Lab
Classification: Pathogenic for Microcephaly, normal intelligence and immunodeficiency. Last evaluated: 2021-11-07. Review status: criteria provided, single submitter. Criteria: ACMG Guidelines, 2015. Collection method: clinical testing. Allele origin: germline. Affected: no.

Sema4
Classification: Likely pathogenic for Hereditary cancer-predisposing syndrome. Last evaluated: 2021-02-13. Review status: criteria provided, single submitter. Criteria: Sema4 Curation Guidelines. Collection method: curation. Allele origin: germline.
Comment: To the best of our knowledge, the NBN c.872dupA (p.S292VfsX12) variant has not been reported in individuals with NBN-related disease. This variant causes a frameshift at amino acid 292 that results in premature termination 12 amino acids downstream. At this location, this is predicted to cause nonsense-mediated decay and result in an absent protein (loss of function). This variant is not reported in the population database Genome Aggregation Database (PMID: 32461654), but has been reported in ClinVar (Variation ID: 576309). Based on the current evidence available, this variant is interpreted as likely pathogenic.

PreventionGenetics, part of Exact Sciences
Classification: Likely pathogenic for NBN-related condition. Last evaluated: 2024-07-29. Review status: no assertion criteria provided. Collection method: clinical testing. Allele origin: germline. Not counted in ClinVar's aggregate classification.
Comment: The NBN c.872dupA variant is predicted to result in a frameshift and premature protein termination (p.Ser292Valfs*12). To our knowledge, this variant has not been reported in the literature or in a large population database, indicating this variant is rare. Frameshift variants in NBN are expected to be pathogenic. It is interpreted as likely pathogenic/pathogenic in ClinVar. This variant is interpreted as likely pathogenic.

Literature cited by the submitters: PubMed 9590180 (cited by Labcorp Genetics (formerly Invitae), Labcorp); PubMed 16415040 (cited by Labcorp Genetics (formerly Invitae), Labcorp).

NM_002485.5(NBN):c.872dup (p.Ser292fs)

Gene: NBN (nibrin; minus strand). Cytogenetic location: 8q21.3.
Variant type: Duplication.
Coding change: c.872dup on transcript NM_002485.5 (MANE Select); coding-DNA position 872, one base duplicated (A; older notation c.872dupA).
Protein change: p.Ser292fs; shifts the reading frame from serine 292.
Molecular consequence: frameshift variant.
Genome position (GRCh38, 1-based): chr8:89,970,388, T duplicated on the plus strand (A on the coding strand, the reverse complement: NBN is on the minus strand). VCF-style (leftmost placement, unchanged base first): chr8-89970387-C-CT. GRCh37 (hg19) VCF-style: chr8-90982615-C-CT.
Other names: c.626dup, p.Ser210fs (NM_001024688.3); c.872dupA (NM_002485.4); short protein forms S210fs, S292fs.
Identifiers: ClinVar variation 576309 (VCV000576309.27), dbSNP rs1563559078, ClinGen allele CA891842847.